The following is an entry in ClinVar:

ClinVar aggregate classification (germline): Uncertain significance (1 of 4 stars; one submission).

Allele frequency attached by ClinVar (database versions not stated): gnomAD 0.00001; 1000 Genomes Project 30x 0.00016; 1000 Genomes Project 0.00020.
gnomAD v4.1: 1 of 1,604,426 alleles (0.000062%); highest among the groups gnomAD compares: East Asian, 0.0022%; no homozygotes.

Submission:

Ambry Genetics
Classification: Uncertain significance. Last evaluated: 2022-07-02. Review status: criteria provided, single submitter. Criteria: Ambry Variant Classification Scheme 2023. Collection method: clinical testing. Allele origin: germline.
Comment: The p.I2816T variant (also known as c.8447T>C), located in coding exon 62 of the PRKDC gene, results from a T to C substitution at nucleotide position 8447. The isoleucine at codon 2816 is replaced by threonine, an amino acid with similar properties. This amino acid position is conserved. Since supporting evidence is limited at this time, the clinical significance of this alteration remains unclear.

NM_006904.7(PRKDC):c.8447T>C (p.Ile2816Thr)

Gene: PRKDC (protein kinase, DNA-activated, catalytic subunit; minus strand). Cytogenetic location: 8q11.21.
Variant type: single nucleotide variant.
Coding change: c.8447T>C on transcript NM_006904.7 (MANE Select); coding-DNA position 8447, T replaced by C.
Protein change: p.Ile2816Thr; replaces isoleucine 2816 with threonine.
Molecular consequence: missense variant.
Genome position (GRCh38, 1-based): chr8:47,828,298, A>G on the plus strand (T>C on the coding strand, the complement: PRKDC is on the minus strand). VCF-style: chr8-47828298-A-G. GRCh37 (hg19) VCF-style: chr8-48740859-A-G.
Other names: c.8447T>C, p.Ile2816Thr (NM_001081640.2); short protein forms I2816T.
Identifiers: ClinVar variation 1763415 (VCV001763415.2), dbSNP rs544979397, ClinGen allele CA176152143.